The following is an entry in ClinVar:

NM_016529.6(ATP8A2):c.2951A>C (p.Glu984Ala)

Gene: ATP8A2 (ATPase phospholipid transporting 8A2). Cytogenetic location: 13q12.13.
Variant type: single nucleotide variant.
Coding change: c.2951A>C on transcript NM_016529.6 (MANE Select); coding-DNA position 2951, A replaced by C.
Protein change: p.Glu984Ala; replaces glutamic acid 984 with alanine.
Molecular consequence: missense variant.
Genome position (GRCh38, 1-based): chr13:25,839,619, A>C. VCF-style: chr13-25839619-A-C. GRCh37 (hg19) VCF-style: chr13-26413757-A-C.
Other names: c.2951A>C (NM_016529.4); c.2756A>C, p.Glu919Ala (NM_001313741.1); c.2876A>C, p.Glu959Ala (NM_001411005.1); c.2951A>C, p.Glu984Ala (NM_001411006.1); short protein forms E959A, E919A, E984A.
Identifiers: ClinVar variation 1985004 (VCV001985004.5), dbSNP rs201303850, ClinGen allele CA6923495.

ClinVar aggregate classification (germline): Uncertain significance. Review status: criteria provided, multiple submitters, no conflicts (2 of 4 stars). 2 submissions from 2 submitters: Uncertain significance (2). Last evaluated 2025-10-14.

Conditions:
Inborn genetic diseases. Identifiers: MedGen C0950123, MeSH D030342.

Allele frequency attached by ClinVar (database versions not stated): gnomAD exomes 0.00001; ExAC 0.00002; TOPMed 0.00002; gnomAD 0.00003; 1000 Genomes Project 30x 0.00016; 1000 Genomes Project 0.00020.
gnomAD v4.1: 16 of 1,613,356 alleles (0.00099%); highest among the groups gnomAD compares: Admixed American, 0.013%; no homozygotes.

Submissions (2):

Ambry Genetics
Classification: Uncertain significance for Inborn genetic diseases. Last evaluated: 2025-10-14. Review status: criteria provided, single submitter. Criteria: Ambry Variant Classification Scheme 2023. Collection method: clinical testing. Allele origin: germline.

Labcorp Genetics (formerly Invitae), Labcorp
Classification: Uncertain significance. Last evaluated: 2023-05-22. Review status: criteria provided, single submitter. Criteria: Invitae Variant Classification Sherloc (09022015). Collection method: clinical testing. Allele origin: germline.
Comment: Advanced modeling of protein sequence and biophysical properties (such as structural, functional, and spatial information, amino acid conservation, physicochemical variation, residue mobility, and thermodynamic stability) performed at Invitae indicates that this missense variant is not expected to disrupt ATP8A2 protein function. ClinVar contains an entry for this variant (Variation ID: 1985004). This variant has not been reported in the literature in individuals affected with ATP8A2-related conditions. This variant is present in population databases (rs201303850, gnomAD 0.009%). This sequence change replaces glutamic acid, which is acidic and polar, with alanine, which is neutral and non-polar, at codon 984 of the ATP8A2 protein (p.Glu984Ala). In summary, the available evidence is currently insufficient to determine the role of this variant in disease. Therefore, it has been classified as a Variant of Uncertain Significance.